The following is an entry in ClinVar:

NM_017763.6(RNF43):c.56C>G (p.Ala19Gly)

Gene: RNF43 (ring finger protein 43; minus strand). Cytogenetic location: 17q22.
Variant type: single nucleotide variant.
Coding change: c.56C>G on transcript NM_017763.6 (MANE Select); coding-DNA position 56, C replaced by G.
Protein change: p.Ala19Gly; replaces alanine 19 with glycine.
Molecular consequence: missense variant.
Genome position (GRCh38, 1-based): chr17:58,415,522, G>C on the plus strand (C>G on the coding strand, the complement: RNF43 is on the minus strand). VCF-style: chr17-58415522-G-C. GRCh37 (hg19) VCF-style: chr17-56492883-G-C.
Other names: c.56C>G, p.Ala19Gly (NM_001305544.3); short protein forms A19G.
Identifiers: ClinVar variation 2751896 (VCV002751896.3), dbSNP rs767316213, ClinGen allele CA400360481.

ClinVar aggregate classification (germline): Uncertain significance (1 of 4 stars; one submission).

Submission:

Labcorp Genetics (formerly Invitae), Labcorp
Classification: Uncertain significance. Last evaluated: 2023-08-11. Review status: criteria provided, single submitter. Criteria: Invitae Variant Classification Sherloc (09022015). Collection method: clinical testing. Allele origin: germline.
Comment: In summary, the available evidence is currently insufficient to determine the role of this variant in disease. Therefore, it has been classified as a Variant of Uncertain Significance. An algorithm developed to predict the effect of missense changes on protein structure and function (PolyPhen-2) suggests that this variant is likely to be disruptive. This variant has not been reported in the literature in individuals affected with RNF43-related conditions. This variant is not present in population databases (gnomAD no frequency). This sequence change replaces alanine, which is neutral and non-polar, with glycine, which is neutral and non-polar, at codon 19 of the RNF43 protein (p.Ala19Gly).